The following is an entry in ClinVar:

ClinVar aggregate classification (germline): Likely benign (1 of 4 stars; one submission).

Submission:

GeneDx
Classification: Likely benign. Last evaluated: 2018-01-12. Review status: criteria provided, single submitter. Criteria: GeneDx Variant Classification (06012015). Collection method: clinical testing. Allele origin: germline. Affected: yes.
Comment: This variant is considered likely benign or benign based on one or more of the following criteria: it is a conservative change, it occurs at a poorly conserved position in the protein, it is predicted to be benign by multiple in silico algorithms, and/or has population frequency not consistent with disease.

NM_001048174.2(MUTYH):c.795G>A (p.Gln265=)

Gene: MUTYH (mutY DNA glycosylase; minus strand). Cytogenetic location: 1p34.1.
Variant type: single nucleotide variant.
Coding change: c.795G>A on transcript NM_001048174.2 (MANE Select); coding-DNA position 795, G replaced by A.
Protein change: p.Gln265=; no amino-acid change (glutamine 265 retained).
Molecular consequence: synonymous variant. On other transcripts: non-coding transcript variant (2).
Genome position (GRCh38, 1-based): chr1:45,332,220, C>T on the plus strand (G>A on the coding strand, the complement: MUTYH is on the minus strand). VCF-style: chr1-45332220-C-T. GRCh37 (hg19) VCF-style: chr1-45797892-C-T.
Other names: c.795G>A, p.Gln265= (NM_001048171.2, NM_001048173.2, NM_001293195.2); c.798G>A, p.Gln266= (NM_001048172.2); c.879G>A, p.Gln293= (NM_001128425.2); c.840G>A, p.Gln280= (NM_001293190.2); c.828G>A, p.Gln276= (NM_001293191.2); c.519G>A, p.Gln173= (NM_001293192.2, NM_001293196.2); c.450G>A, p.Gln150= (NM_001350650.2, NM_001350651.2); c.870G>A, p.Gln290= (NM_012222.3).
Identifiers: ClinVar variation 514900 (VCV000514900.1), dbSNP rs1553127655, ClinGen allele CA417879970.